The following is an entry in ClinVar:

ClinVar aggregate classification (germline): Uncertain significance. Review status: criteria provided, multiple submitters, no conflicts (2 of 4 stars). 4 submissions from 4 submitters: Uncertain significance (4). Last evaluated 2026-01-16.

Conditions:
Gastrointestinal stromal tumor. Also called: Gastrointestinal stromal tumor, somatic; Gastrointestinal stroma tumor. Identifiers: Orphanet 44890, MedGen C0238198, MeSH D046152, MONDO:0011719, OMIM 606764, HP:0100723.
Hereditary cancer-predisposing syndrome. Also called: Tumor predisposition; Neoplastic Syndromes, Hereditary; Hereditary neoplastic syndrome; Hereditary Cancer Syndrome. Identifiers: Orphanet 140162, MedGen C0027672, MeSH D009386, MONDO:0015356.
KIT-related disorder. Also called: KIT-related condition.

Allele frequency attached by ClinVar (database versions not stated): gnomAD exomes below 0.00001; TOPMed below 0.00001; ExAC 0.00001; gnomAD 0.00001.
gnomAD v4.1: 2 of 1,613,674 alleles (0.00012%); highest among the groups gnomAD compares: African/African-American, 0.0027%; no homozygotes.

Submissions (4):

Labcorp Genetics (formerly Invitae), Labcorp
Classification: Uncertain significance for Gastrointestinal stromal tumor. Last evaluated: 2026-01-16. Review status: criteria provided, single submitter. Criteria: Invitae Variant Classification Sherloc (09022015). Collection method: clinical testing. Allele origin: germline.
Comment: This sequence change replaces serine, which is neutral and polar, with threonine, which is neutral and polar, at codon 688 of the KIT protein (p.Ser688Thr). This variant is present in population databases (rs752130583, gnomAD 0.008%). This variant has not been reported in the literature in individuals affected with KIT-related conditions. ClinVar contains an entry for this variant (Variation ID: 1051332). An algorithm developed to predict the effect of missense changes on protein structure and function (PolyPhen-2) suggests that this variant is likely to be tolerated. In summary, the available evidence is currently insufficient to determine the role of this variant in disease. Therefore, it has been classified as a Variant of Uncertain Significance.

Ambry Genetics
Classification: Uncertain significance for Hereditary cancer-predisposing syndrome. Last evaluated: 2024-09-08. Review status: criteria provided, single submitter. Criteria: Ambry Variant Classification Scheme 2023. Collection method: clinical testing. Allele origin: germline.
Comment: The p.S688T variant (also known as c.2062T>A), located in coding exon 14 of the KIT gene, results from a T to A substitution at nucleotide position 2062. The serine at codon 688 is replaced by threonine, an amino acid with similar properties. This amino acid position is conserved. In addition, the in silico prediction for this alteration is inconclusive. Based on the available evidence, the clinical significance of this variant remains unclear.

GeneDx
Classification: Uncertain significance. Last evaluated: 2024-02-20. Review status: criteria provided, single submitter. Criteria: GeneDx Variant Classification Process June 2021. Collection method: clinical testing. Allele origin: germline. Affected: yes.
Comment: Not observed at significant frequency in large population cohorts (gnomAD); In silico analysis supports that this missense variant does not alter protein structure/function; Has not been previously published as pathogenic or benign to our knowledge

PreventionGenetics, part of Exact Sciences
Classification: Uncertain significance for KIT-related condition. Last evaluated: 2022-12-15. Review status: criteria provided, single submitter. Criteria: ACMG Guidelines, 2015. Collection method: clinical testing. Allele origin: germline.
Comment: The KIT c.2062T>A variant is predicted to result in the amino acid substitution p.Ser688Thr. To our knowledge, this variant has not been reported in the literature. This variant is reported in 0.0080% of alleles in individuals of African descent in gnomAD and is interpreted as uncertain significance. At this time, the clinical significance of this variant is uncertain due to the absence of conclusive functional and genetic evidence.

NM_000222.3(KIT):c.2062T>A (p.Ser688Thr)

Gene: KIT (KIT proto-oncogene, receptor tyrosine kinase; plus strand). Cytogenetic location: 4q12.
Variant type: single nucleotide variant.
Coding change: c.2062T>A on transcript NM_000222.3 (MANE Select); coding-DNA position 2062, T replaced by A.
Protein change: p.Ser688Thr; replaces serine 688 with threonine.
Molecular consequence: missense variant.
Genome position (GRCh38, 1-based): chr4:54,729,406, T>A. VCF-style: chr4-54729406-T-A. GRCh37 (hg19) VCF-style: chr4-55595572-T-A.
Other names: c.2050T>A, p.Ser684Thr (NM_001093772.2, NM_001385286.1); c.2065T>A, p.Ser689Thr (NM_001385284.1, NM_001385290.1); c.2062T>A, p.Ser688Thr (NM_001385285.1); c.2053T>A, p.Ser685Thr (NM_001385288.1, NM_001385292.1); c.2062T>A (NM_000222.2); short protein forms S684T, S685T, S688T, S689T.
Identifiers: ClinVar variation 1051332 (VCV001051332.12), dbSNP rs752130583, ClinGen allele CA2923639.